The following is an entry in ClinVar:

ClinVar aggregate classification (germline): Uncertain significance. Review status: criteria provided, multiple submitters, no conflicts (2 of 4 stars). 3 submissions from 3 submitters: Uncertain significance (3). Last evaluated 2023-12-16.

Conditions:
Inborn genetic diseases. Identifiers: MedGen C0950123, MeSH D030342.

Allele frequency attached by ClinVar (database versions not stated): TOPMed 0.00005; gnomAD 0.00006 and 0.00007; gnomAD exomes 0.00006 and 0.00007; ExAC 0.00012; ESP Exome Variant Server 0.00015; 1000 Genomes Project 30x 0.00016; 1000 Genomes Project 0.00020.
gnomAD v4.1: 108 of 1,592,872 alleles (0.0068%); highest among the groups gnomAD compares: South Asian, 0.014%; 1 homozygote.

Submissions (3):

Ambry Genetics
Classification: Uncertain significance for Inborn genetic diseases. Last evaluated: 2023-12-16. Review status: criteria provided, single submitter. Criteria: Ambry Variant Classification Scheme 2023. Collection method: clinical testing. Allele origin: germline.

Labcorp Genetics (formerly Invitae), Labcorp
Classification: Uncertain significance. Last evaluated: 2022-08-09. Review status: criteria provided, single submitter. Criteria: Invitae Variant Classification Sherloc (09022015). Collection method: clinical testing. Allele origin: germline.
Comment: This sequence change replaces arginine, which is basic and polar, with cysteine, which is neutral and slightly polar, at codon 1514 of the LAMC3 protein (p.Arg1514Cys). This variant is present in population databases (rs145980204, gnomAD 0.02%), including at least one homozygous and/or hemizygous individual. This variant has not been reported in the literature in individuals affected with LAMC3-related conditions. ClinVar contains an entry for this variant (Variation ID: 435734). Algorithms developed to predict the effect of missense changes on protein structure and function are either unavailable or do not agree on the potential impact of this missense change (SIFT: "Tolerated"; PolyPhen-2: "Possibly Damaging"; Align-GVGD: "Class C0"). In summary, the available evidence is currently insufficient to determine the role of this variant in disease. Therefore, it has been classified as a Variant of Uncertain Significance.

Genetic Services Laboratory, University of Chicago
Classification: Uncertain significance. Last evaluated: 2017-03-22. Review status: criteria provided, single submitter. Criteria: ACMG Guidelines, 2015. Collection method: clinical testing. Allele origin: germline. Affected: no.

NM_006059.4(LAMC3):c.4540C>T (p.Arg1514Cys)

Gene: LAMC3 (laminin subunit gamma 3; plus strand). Cytogenetic location: 9q34.12.
Variant type: single nucleotide variant.
Coding change: c.4540C>T on transcript NM_006059.4 (MANE Select); coding-DNA position 4540, C replaced by T.
Protein change: p.Arg1514Cys; replaces arginine 1514 with cysteine.
Molecular consequence: missense variant.
Genome position (GRCh38, 1-based): chr9:131,091,599, C>T. VCF-style: chr9-131091599-C-T. GRCh37 (hg19) VCF-style: chr9-133966986-C-T.
Other names: short protein forms R1514C.
Identifiers: ClinVar variation 435734 (VCV000435734.9), dbSNP rs145980204, ClinGen allele CA5288215.
Genomic context (GRCh38, chr9:131,091,599, plus strand): 5'-TCGCTGGACACCCATCAAGCCCCAGCCCAGGCCCTGAACGAGACTCAGTGGGCACTAGAA[C>T]GCCTGAGGCTGCAGCTGGGCTCCCCGGGGTCCTTGCAGAGGAAACTCAGTCTGCTGGAGC-3'
Protein context (NP_006050.3, residues 1504-1524): ALNETQWALE[Arg1514Cys]LRLQLGSPGS